The following is an entry in ClinVar:

NM_001276345.2(TNNT2):c.685C>A (p.Leu229Met)

Gene: TNNT2 (troponin T2, cardiac type; minus strand). Cytogenetic location: 1q32.1.
Variant type: single nucleotide variant.
Coding change: c.685C>A on transcript NM_001276345.2 (MANE Select); coding-DNA position 685, C replaced by A.
Protein change: p.Leu229Met; replaces leucine 229 with methionine.
Molecular consequence: missense variant.
Genome position (GRCh38, 1-based): chr1:201,361,947, G>T on the plus strand (C>A on the coding strand, the complement: TNNT2 is on the minus strand). VCF-style: chr1-201361947-G-T. GRCh37 (hg19) VCF-style: chr1-201331075-G-T.
Other names: c.676C>A, p.Leu226Met (NM_000364.4, NM_001406723.1); c.655C>A, p.Leu219Met (NM_001001430.3, NM_001276347.2, NM_001406724.1); c.646C>A, p.Leu216Met (NM_001001431.3, NM_001406726.1, NM_001406727.1); c.637C>A, p.Leu213Met (NM_001001432.3); c.556C>A, p.Leu186Met (NM_001276346.2); c.652C>A, p.Leu218Met (NM_001406725.1); c.640C>A, p.Leu214Met (NM_001406728.1); short protein forms L186M, L214M, L213M, L226M, L229M, L216M, L218M, L219M.
Identifiers: ClinVar variation 5002961 (VCV005002961.1).

ClinVar aggregate classification (germline): Uncertain significance (1 of 4 stars; one submission).

Conditions:
Hypertrophic cardiomyopathy 2. Also called: TNNT2-Related Familial Hypertrophic Cardiomyopathy. Identifiers: MedGen C1861864, MONDO:0007266, OMIM 115195.

Submission:

OLLIN Analises Genomicas, OLLIN
Classification: Uncertain significance for Hypertrophic cardiomyopathy 2. Last evaluated: 2026-08-06. Review status: criteria provided, single submitter. Criteria: ACMG Guidelines 2015 PMID 25741868. Collection method: clinical testing. Allele origin: germline. Inheritance: Autosomal dominant inheritance.
Comment: This missense variant, located in exon 14 (of 17), is absent from gnomAD and ClinVar and has not been identified in the literature. In silico analysis predicts that this variant has a deleterious effect. According to the currently available evidence, this variant has been classified as uncertain significance (PM2_P, PP3_M).